The following is an entry in ClinVar:

NM_001126108.2(SLC12A3):c.658G>T (p.Gly220Cys)

Gene: SLC12A3 (solute carrier family 12 member 3; plus strand). Cytogenetic location: 16q13.
Variant type: single nucleotide variant.
Coding change: c.658G>T on transcript NM_001126108.2 (MANE Select); coding-DNA position 658, G replaced by T.
Protein change: p.Gly220Cys; replaces glycine 220 with cysteine.
Molecular consequence: missense variant.
Genome position (GRCh38, 1-based): chr16:56,870,152, G>T. VCF-style: chr16-56870152-G-T. GRCh37 (hg19) VCF-style: chr16-56904064-G-T.
Other names: c.658G>T, p.Gly220Cys (NM_000339.3); c.655G>T, p.Gly219Cys (NM_001126107.2, NM_001410896.1); short protein forms G219C, G220C.
Identifiers: ClinVar variation 3896385 (VCV003896385.2).

ClinVar aggregate classification (germline): Uncertain significance (1 of 4 stars; one submission).

Submission:

Women's Health and Genetics/Laboratory Corporation of America, LabCorp
Classification: Uncertain significance. Last evaluated: 2025-04-30. Review status: criteria provided, single submitter. Criteria: LabCorp Variant Classification Summary - May 2015. Collection method: clinical testing. Allele origin: germline.
Comment: Variant summary: SLC12A3 c.658G>T (p.Gly220Cys) results in a non-conservative amino acid change in the encoded protein sequence. Five of five in-silico tools predict a damaging effect of the variant on protein function. The variant was absent in 251336 control chromosomes. The available data on variant occurrences in the general population are insufficient to allow any conclusion about variant significance. To our knowledge, no occurrence of c.658G>T in individuals affected with Familial Hypokalemia-Hypomagnesemia and no experimental evidence demonstrating its impact on protein function have been reported. ClinVar contains an entry for this variant (Variation ID: 3580971). Based on the evidence outlined above, the variant was classified as uncertain significance.